The following is an entry in ClinVar:

NM_002087.4(GRN):c.254C>T (p.Pro85Leu)

Gene: GRN (granulin precursor; plus strand). Cytogenetic location: 17q21.31.
Variant type: single nucleotide variant.
Coding change: c.254C>T on transcript NM_002087.4 (MANE Select); coding-DNA position 254, C replaced by T.
Protein change: p.Pro85Leu; replaces proline 85 with leucine.
Molecular consequence: missense variant.
Genome position (GRCh38, 1-based): chr17:44,349,541, C>T. VCF-style: chr17-44349541-C-T. GRCh37 (hg19) VCF-style: chr17-42426909-C-T.
Other names: short protein forms P85L.
Identifiers: ClinVar variation 1327773 (VCV001327773.8), dbSNP rs1275075189, ClinGen allele CA399760016.

ClinVar aggregate classification (germline): Uncertain significance. Review status: criteria provided, multiple submitters, no conflicts (2 of 4 stars). 3 submissions from 3 submitters: Uncertain significance (3). Last evaluated 2024-08-23.

Conditions:
GRN-related frontotemporal lobar degeneration with Tdp43 inclusions (FTD2). Also called: FRONTOTEMPORAL LOBAR DEGENERATION WITH UBIQUITIN-POSITIVE INCLUSIONS; FTLD-TDP, GRN-RELATED; GRN Frontotemporal Dementia; FRONTOTEMPORAL DEMENTIA WITH TDP43 INCLUSIONS, GRN-RELATED; DEMENTIA, HEREDITARY DYSPHASIC DISINHIBITION. Identifiers: Orphanet 100070, Orphanet 282, MedGen C1843792, MONDO:0011842, OMIM 607485. Disease mechanism: loss of function.
Neuronal ceroid lipofuscinosis 11. Also called: GRN-Related Neuronal Ceroid-Lipofuscinosis. Identifiers: Orphanet 314629, Orphanet 79262, MedGen C3539123, MONDO:0013866, OMIM 614706.

Allele frequency attached by ClinVar (database versions not stated): gnomAD 0.00001.
gnomAD v4.1: 4 of 1,614,076 alleles (0.00025%); highest among the groups gnomAD compares: Admixed American, 0.0017%; no homozygotes.

Submissions (3):

Blueprint Genetics
Classification: Uncertain significance. Last evaluated: 2024-08-23. Review status: criteria provided, single submitter. Criteria: ACMG Guidelines, 2015. Collection method: clinical testing. Allele origin: germline.

Labcorp Genetics (formerly Invitae), Labcorp
Classification: Uncertain significance for Neuronal ceroid lipofuscinosis 11; GRN-related frontotemporal lobar degeneration with Tdp43 inclusions. Last evaluated: 2021-08-15. Review status: criteria provided, single submitter. Criteria: Invitae Variant Classification Sherloc (09022015). Collection method: clinical testing. Allele origin: germline.
Comment: This sequence change replaces proline with leucine at codon 85 of the GRN protein (p.Pro85Leu). The proline residue is moderately conserved and there is a moderate physicochemical difference between proline and leucine. This variant is not present in population databases (ExAC no frequency). This variant has not been reported in the literature in individuals affected with GRN-related conditions. Algorithms developed to predict the effect of missense changes on protein structure and function are either unavailable or do not agree on the potential impact of this missense change (SIFT: "Deleterious"; PolyPhen-2: "Probably Damaging"; Align-GVGD: "Class C0"). In summary, the available evidence is currently insufficient to determine the role of this variant in disease. Therefore, it has been classified as a Variant of Uncertain Significance.

GeneDx
Classification: Uncertain significance. Last evaluated: 2021-06-10. Review status: criteria provided, single submitter. Criteria: GeneDx Variant Classification Process June 2021. Collection method: clinical testing. Allele origin: germline. Affected: yes.
Comment: Has not been previously published as pathogenic or benign to our knowledge; Not observed at significant frequency in large population cohorts (Lek et al., 2016); In silico analysis supports that this missense variant has a deleterious effect on protein structure/function; This variant is associated with the following publications: (PMID: 27535533)